The following is an entry in ClinVar:

ClinVar aggregate classification (germline): Uncertain significance. Review status: criteria provided, multiple submitters, no conflicts (2 of 4 stars). 3 submissions from 3 submitters: Uncertain significance (3). Last evaluated 2023-10-26.

Conditions:
Nephrolithiasis/nephrocalcinosis. Identifiers: MedGen CN580796.
Familial hypocalciuric hypercalcemia (FHH). Also called: Familial benign hypercalcemia. Identifiers: Orphanet 405, MedGen C1809471, MONDO:0018458.
Autosomal dominant hypocalcemia 1 (HYPOC1). Also called: HYPOCALCEMIA, FAMILIAL. Identifiers: MedGen C3715128, MONDO:0011013, OMIM 601198.

Submissions (3):

Women's Health and Genetics/Laboratory Corporation of America, LabCorp
Classification: Uncertain significance. Last evaluated: 2023-10-26. Review status: criteria provided, single submitter. Criteria: LabCorp Variant Classification Summary - May 2015. Collection method: clinical testing. Allele origin: germline.
Comment: Variant summary: CASR c.281G>A (p.Gly94Glu) results in a non-conservative amino acid change located in the Receptor, ligand binding region (IPR001828) of the encoded protein sequence. Five of five in-silico tools predict a damaging effect of the variant on protein function. The variant was absent in 251414 control chromosomes. The available data on variant occurrences in the general population are insufficient to allow any conclusion about variant significance. To our knowledge, no occurrence of c.281G>A in individuals affected with Autosomal Dominant Hypocalcemia and no experimental evidence demonstrating its impact on protein function have been reported. Two submitters have cited clinical-significance assessments for this variant to ClinVar after 2014. All submitters classified the variant as uncertain significance. Based on the evidence outlined above, the variant was classified as uncertain significance.

Ambry Genetics
Classification: Uncertain significance for Nephrolithiasis/nephrocalcinosis. Last evaluated: 2022-05-12. Review status: criteria provided, single submitter. Criteria: Ambry Variant Classification Scheme 2023. Collection method: clinical testing. Allele origin: germline.
Comment: The p.G94E variant (also known as c.281G>A), located in coding exon 2 of the CASR gene, results from a G to A substitution at nucleotide position 281. The glycine at codon 94 is replaced by glutamic acid, an amino acid with similar properties. This amino acid position is conserved. In addition, this alteration is predicted to be deleterious by in silico analysis. Since supporting evidence is limited at this time, the clinical significance of this alteration remains unclear.

Labcorp Genetics (formerly Invitae), Labcorp
Classification: Uncertain significance for Familial hypocalciuric hypercalcemia; Autosomal dominant hypocalcemia 1. Last evaluated: 2020-10-05. Review status: criteria provided, single submitter. Criteria: Invitae Variant Classification Sherloc (09022015). Collection method: clinical testing. Allele origin: germline.
Comment: In summary, the available evidence is currently insufficient to determine the role of this variant in disease. Therefore, it has been classified as a Variant of Uncertain Significance. This sequence change replaces glycine with glutamic acid at codon 94 of the CASR protein (p.Gly94Glu). The glycine residue is highly conserved and there is a moderate physicochemical difference between glycine and glutamic acid. This variant is not present in population databases (ExAC no frequency). This variant has been observed as homozygous in an individual with clinical features of neonatal severe hyperparathyroidism (NSHPT) (Invitae). ClinVar contains an entry for this variant (Variation ID: 666062). Algorithms developed to predict the effect of missense changes on protein structure and function (SIFT, PolyPhen-2, Align-GVGD) all suggest that this variant is likely to be disruptive, but these predictions have not been confirmed by published functional studies and their clinical significance is uncertain.

NM_000388.4(CASR):c.281G>A (p.Gly94Glu)

Gene: CASR (calcium sensing receptor; plus strand). Cytogenetic location: 3q21.1.
Variant type: single nucleotide variant.
Coding change: c.281G>A on transcript NM_000388.4 (MANE Select); coding-DNA position 281, G replaced by A.
Protein change: p.Gly94Glu; replaces glycine 94 with glutamic acid.
Molecular consequence: missense variant.
Genome position (GRCh38, 1-based): chr3:122,257,176, G>A. VCF-style: chr3-122257176-G-A. GRCh37 (hg19) VCF-style: chr3-121976023-G-A.
Other names: c.281G>A, p.Gly94Glu (NM_001178065.2); short protein forms G94E.
Identifiers: ClinVar variation 666062 (VCV000666062.12), dbSNP rs1576854356, ClinGen allele CA354362552.